The following is an entry in ClinVar:

ClinVar aggregate classification (germline): Uncertain significance (1 of 4 stars; one submission).

Allele frequency attached by ClinVar (database versions not stated): gnomAD exomes below 0.00001; gnomAD 0.00001; TOPMed 0.00002.
gnomAD v4.1: 3 of 1,614,110 alleles (0.00019%); highest among the groups gnomAD compares: Non-Finnish European, 0.00025%; no homozygotes.

Submission:

Labcorp Genetics (formerly Invitae), Labcorp
Classification: Uncertain significance. Last evaluated: 2024-01-25. Review status: criteria provided, single submitter. Criteria: Invitae Variant Classification Sherloc (09022015). Collection method: clinical testing. Allele origin: germline.
Comment: This sequence change replaces leucine, which is neutral and non-polar, with arginine, which is basic and polar, at codon 10 of the NDUFB9 protein (p.Leu10Arg). This variant is present in population databases (no rsID available, gnomAD 0.007%). This variant has not been reported in the literature in individuals affected with NDUFB9-related conditions. An algorithm developed to predict the effect of missense changes on protein structure and function (PolyPhen-2) suggests that this variant is likely to be disruptive. In summary, the available evidence is currently insufficient to determine the role of this variant in disease. Therefore, it has been classified as a Variant of Uncertain Significance.

NM_005005.3(NDUFB9):c.29T>G (p.Leu10Arg)

Gene: NDUFB9 (NADH:ubiquinone oxidoreductase subunit B9; plus strand). Cytogenetic location: 8q24.13.
Variant type: single nucleotide variant.
Coding change: c.29T>G on transcript NM_005005.3 (MANE Select); coding-DNA position 29, T replaced by G.
Protein change: p.Leu10Arg; replaces leucine 10 with arginine.
Molecular consequence: missense variant. On other transcripts: 5 prime UTR variant (2).
Genome position (GRCh38, 1-based): chr8:124,539,215, T>G. VCF-style: chr8-124539215-T-G. GRCh37 (hg19) VCF-style: chr8-125551456-T-G.
Other names: c.-105T>G (NM_001278645.2); c.-99T>G (NM_001278646.2); c.29T>G, p.Leu10Arg (NM_001311168.2); short protein forms L10R.
Identifiers: ClinVar variation 2999928 (VCV002999928.3), dbSNP rs1458680483, ClinGen allele CA372169872.
Genomic context (GRCh38, chr8:124,539,215, plus strand): 5'-TCTCCGCGCGGCCGGGGAAGGTCAGCGCCGTAATGGCGTTCTTGGCGTCGGGACCCTACC[T>G]GACCCATCAGCAAAAGGTGTTGCGGCTTTATAAGCGGGCGCTACGCCACCTCGAGTCGTG-3'
Protein context (NP_004996.1, residues 1-20): MAFLASGPY[Leu10Arg]THQQKVLRLY